The following is an entry in ClinVar:

NM_000548.5(TSC2):c.4574A>G (p.Gln1525Arg)

Gene: TSC2 (TSC complex subunit 2; plus strand). Cytogenetic location: 16p13.3.
Variant type: single nucleotide variant.
Coding change: c.4574A>G on transcript NM_000548.5 (MANE Select); coding-DNA position 4574, A replaced by G.
Protein change: p.Gln1525Arg; replaces glutamine 1525 with arginine.
Molecular consequence: missense variant.
Genome position (GRCh38, 1-based): chr16:2,085,234, A>G. VCF-style: chr16-2085234-A-G. GRCh37 (hg19) VCF-style: chr16-2135235-A-G.
Other names: c.4373A>G, p.Gln1458Arg (NM_001077183.3); c.4505A>G, p.Gln1502Arg (NM_001114382.3); c.4265A>G, p.Gln1422Arg (NM_001318827.2); c.4229A>G, p.Gln1410Arg (NM_001318829.2); c.3842A>G, p.Gln1281Arg (NM_001318831.2); c.4406A>G, p.Gln1469Arg (NM_001318832.2); c.4376A>G, p.Gln1459Arg (NM_001363528.2); c.4442A>G, p.Gln1481Arg (NM_001370404.1); and 1 more; short protein forms Q1410R, Q1525R, Q1281R, Q1458R, Q1459R, Q1469R, Q1481R, Q1482R.
Identifiers: ClinVar variation 639390 (VCV000639390.10), dbSNP rs1596426462, ClinGen allele CA394304325.

ClinVar aggregate classification (germline): Uncertain significance. Review status: criteria provided, multiple submitters, no conflicts (2 of 4 stars). 3 submissions from 3 submitters: Uncertain significance (3). Last evaluated 2025-03-27.

Conditions:
Tuberous sclerosis syndrome (TSC). Also called: Tuberous Sclerosis Complex; Tuberous sclerosis. Identifiers: Orphanet 805, MedGen C0041341, MONDO:0001734.
Hereditary cancer-predisposing syndrome. Also called: Hereditary Cancer Syndrome; Neoplastic Syndromes, Hereditary; Tumor predisposition; Hereditary neoplastic syndrome. Identifiers: Orphanet 140162, MedGen C0027672, MeSH D009386, MONDO:0015356.
Tuberous sclerosis 2 (TSC2). Identifiers: Orphanet 805, MedGen C1860707, MONDO:0013199, OMIM 613254.

Allele frequency attached by ClinVar (database versions not stated): gnomAD exomes below 0.00001.

Submissions (3):

Ambry Genetics
Classification: Uncertain significance for Hereditary cancer-predisposing syndrome. Last evaluated: 2025-03-27. Review status: criteria provided, single submitter. Criteria: Ambry Variant Classification Scheme 2023. Collection method: clinical testing. Allele origin: germline.
Comment: The p.Q1525R variant (also known as c.4574A>G), located in coding exon 35 of the TSC2 gene, results from an A to G substitution at nucleotide position 4574. The glutamine at codon 1525 is replaced by arginine, an amino acid with highly similar properties. This amino acid position is highly conserved in available vertebrate species. In addition, this alteration is predicted to be deleterious by in silico analysis. Based on the available evidence, the clinical significance of this variant remains unclear.

Labcorp Genetics (formerly Invitae), Labcorp
Classification: Uncertain significance for Tuberous sclerosis 2. Last evaluated: 2024-02-15. Review status: criteria provided, single submitter. Criteria: Invitae Variant Classification Sherloc (09022015). Collection method: clinical testing. Allele origin: germline.
Comment: This sequence change replaces glutamine, which is neutral and polar, with arginine, which is basic and polar, at codon 1525 of the TSC2 protein (p.Gln1525Arg). This variant is not present in population databases (gnomAD no frequency). This variant has not been reported in the literature in individuals affected with TSC2-related conditions. ClinVar contains an entry for this variant (Variation ID: 639390). Advanced modeling of protein sequence and biophysical properties (such as structural, functional, and spatial information, amino acid conservation, physicochemical variation, residue mobility, and thermodynamic stability) performed at Invitae indicates that this missense variant is not expected to disrupt TSC2 protein function with a negative predictive value of 95%. RNA analysis performed to evaluate the impact of this missense change on mRNA splicing indicates it does not significantly alter splicing (Invitae). In summary, the available evidence is currently insufficient to determine the role of this variant in disease. Therefore, it has been classified as a Variant of Uncertain Significance.

All of Us Research Program, National Institutes of Health
Classification: Uncertain significance for Tuberous sclerosis syndrome. Last evaluated: 2023-04-27. Review status: criteria provided, single submitter. Criteria: ACMG Guidelines, 2015. Collection method: clinical testing. Allele origin: germline. Inheritance: Autosomal dominant inheritance. Observed: 1 variant allele, 1 heterozygote.
Comment: This study involves interpretation of variants in research participants for the purpose of population health screening. Participant phenotype was not available at the time of variant classification. Additional details can be found in publication PMID: 35346344, PMCID: PMC8962531